The following is an entry in ClinVar:

NM_017654.4(SAMD9):c.2153T>C (p.Ile718Thr)

Gene: SAMD9 (sterile alpha motif domain containing 9; minus strand). Cytogenetic location: 7q21.2.
Variant type: single nucleotide variant.
Coding change: c.2153T>C on transcript NM_017654.4 (MANE Select); coding-DNA position 2153, T replaced by C.
Protein change: p.Ile718Thr; replaces isoleucine 718 with threonine.
Molecular consequence: missense variant.
Genome position (GRCh38, 1-based): chr7:93,103,945, A>G on the plus strand (T>C on the coding strand, the complement: SAMD9 is on the minus strand). VCF-style: chr7-93103945-A-G. GRCh37 (hg19) VCF-style: chr7-92733258-A-G.
Other names: c.2153T>C, p.Ile718Thr (NM_001193307.2); short protein forms I718T.
Identifiers: ClinVar variation 2303421 (VCV002303421.5), dbSNP rs1791582914, ClinGen allele CA368192667.

ClinVar aggregate classification (germline): Uncertain significance. Review status: criteria provided, multiple submitters, no conflicts (2 of 4 stars). 2 submissions from 2 submitters: Uncertain significance (2). Last evaluated 2026-03-19.

Conditions:
Inborn genetic diseases. Identifiers: MedGen C0950123, MeSH D030342.

Allele frequency attached by ClinVar (database versions not stated): gnomAD exomes below 0.00001; TOPMed below 0.00001; gnomAD 0.00001.
gnomAD v4.1: 4 of 1,613,284 alleles (0.00025%); highest among the groups gnomAD compares: Non-Finnish European, 0.00034%; no homozygotes.

Submissions (2):

Ambry Genetics
Classification: Uncertain significance for Inborn genetic diseases. Last evaluated: 2026-03-19. Review status: criteria provided, single submitter. Criteria: Ambry Variant Classification Scheme 2023. Collection method: clinical testing. Allele origin: germline.

GeneDx
Classification: Uncertain significance. Last evaluated: 2024-02-22. Review status: criteria provided, single submitter. Criteria: GeneDx Variant Classification Process June 2021. Collection method: clinical testing. Allele origin: germline. Affected: yes.
Comment: Not observed at significant frequency in large population cohorts (gnomAD); In silico analysis supports that this missense variant has a deleterious effect on protein structure/function; Has not been previously published as pathogenic or benign to our knowledge; This variant is associated with the following publications: (PMID: 28545555)